The following is an entry in ClinVar:

NM_001128227.3(GNE):c.88C>A (p.Gln30Lys)

Gene: GNE (glucosamine (UDP-N-acetyl)-2-epimerase/N-acetylmannosamine kinase; minus strand). Cytogenetic location: 9p13.3.
Variant type: single nucleotide variant.
Coding change: c.88C>A on transcript NM_001128227.3 (MANE Plus Clinical); coding-DNA position 88, C replaced by A.
Protein change: p.Gln30Lys; replaces glutamine 30 with lysine.
Molecular consequence: missense variant. On other transcripts: 5 prime UTR variant (3), intron variant (3).
Genome position (GRCh38, 1-based): chr9:36,249,361, G>T on the plus strand (C>A on the coding strand, the complement: GNE is on the minus strand). VCF-style: chr9-36249361-G-T. GRCh37 (hg19) VCF-style: chr9-36249358-G-T.
Other names: c.-6C>A (NM_001190383.3, NM_001374797.1, NM_005476.7); c.-13-2879C>A (NM_001190388.2, NM_001190384.3, NM_001374798.1); short protein forms Q30K.
Identifiers: ClinVar variation 2120926 (VCV002120926.4), dbSNP rs1554664090, ClinGen allele CA373422311.
Genomic context (GRCh38, chr9:36,249,361, plus strand): 5'-GGTTACAAGTAGCAACACAAACCCGCAGCTTTCGGTTATTTCCATTCTTCTCCATGATTT[G>T]CTTGTTTCGTTTTGAGAGGTTCTTAAAATAGAGTTCCTGAAATTGCCAAAATAAAAACTT-3'
Protein context (NP_001121699.1, residues 20-40): YFKNLSKRNK[Gln30Lys]IMEKNGNNRK

ClinVar aggregate classification (germline): Uncertain significance (1 of 4 stars; one submission).

Conditions:
Sialuria. Also called: SIALURIA, FRENCH TYPE; Sialic Acid Storage Disease. Identifiers: Orphanet 3166, MedGen C0342853, MONDO:0010028, OMIM 269921.
GNE myopathy (NM). Also called: INCLUSION BODY MYOPATHY, HEREDITARY, AUTOSOMAL RECESSIVE; INCLUSION BODY MYOPATHY 2, AUTOSOMAL RECESSIVE; MYOPATHY, DISTAL, WITH OR WITHOUT RIMMED VACUOLES; IBM 2; Inclusion body myopathy autosomal recessive; Inclusion body myopathy quadriceps sparing. Identifiers: Orphanet 602, MedGen C1853926, MONDO:0011603, OMIM 605820.

Submission:

Labcorp Genetics (formerly Invitae), Labcorp
Classification: Uncertain significance for Sialuria; GNE myopathy. Last evaluated: 2022-04-10. Review status: criteria provided, single submitter. Criteria: Invitae Variant Classification Sherloc (09022015). Collection method: clinical testing. Allele origin: germline.
Comment: Advanced modeling of protein sequence and biophysical properties (such as structural, functional, and spatial information, amino acid conservation, physicochemical variation, residue mobility, and thermodynamic stability) performed at Invitae indicates that this missense variant is not expected to disrupt GNE protein function. In summary, the available evidence is currently insufficient to determine the role of this variant in disease. Therefore, it has been classified as a Variant of Uncertain Significance. This variant has not been reported in the literature in individuals affected with GNE-related conditions. This sequence change replaces glutamine, which is neutral and polar, with lysine, which is basic and polar, at codon 30 of the GNE protein (p.Gln30Lys). This variant is not present in population databases (gnomAD no frequency).